The following is an entry in ClinVar:

NM_001009944.3(PKD1):c.4387C>T (p.Gln1463Ter)

Gene: PKD1 (polycystin 1, transient receptor potential channel interacting; minus strand). Cytogenetic location: 16p13.3.
Variant type: single nucleotide variant.
Coding change: c.4387C>T on transcript NM_001009944.3 (MANE Select); coding-DNA position 4387, C replaced by T.
Protein change: p.Gln1463Ter; replaces glutamine 1463 with a stop codon.
Molecular consequence: nonsense.
Genome position (GRCh38, 1-based): chr16:2,110,780, G>A on the plus strand (C>T on the coding strand, the complement: PKD1 is on the minus strand). VCF-style: chr16-2110780-G-A. GRCh37 (hg19) VCF-style: chr16-2160781-G-A.
Other names: c.4387C>T, p.Gln1463Ter (NM_000296.4); short protein forms Q1463*.
Identifiers: ClinVar variation 995156 (VCV000995156.28), dbSNP rs1183899324, ClinGen allele CA394380497.
Genomic context (GRCh38, chr16:2,110,780, plus strand): 5'-GCTGCAGCTCCAGCCCAAGGGAGCCATTGACCTTGATGCTGGTGACCAGCACGGGCTCCT[G>A]CACCTCCACCAGGGCTGAGTCATTGGCAGCAGAGATGTTGTTGGACGCGGTGACTGTCAC-3'

ClinVar aggregate classification (germline): Pathogenic. Review status: criteria provided, multiple submitters, no conflicts (2 of 4 stars). 6 submissions from 6 submitters: Pathogenic (5). 1 of the submissions does not count toward it. Last evaluated 2026-04-28.

Conditions:
PKD1-related disorder. Also called: PKD1-related condition.
Polycystic kidney disease, adult type (PKD1). Also called: Polycystic Kidney, Autosomal Dominant; POLYCYSTIC KIDNEY DISEASE, ADULT, TYPE I; Polycystic Kidney Disease 1, Autosomal Dominant; Polycystic kidney disease 1; Polycystic kidney disease 1, severe; POLYCYSTIC KIDNEY DISEASE 1 WITH OR WITHOUT POLYCYSTIC LIVER DISEASE. Identifiers: MedGen C3149841, MONDO:0008263, OMIM 173900.

Allele frequency attached by ClinVar (database versions not stated): gnomAD 0.00001.

Submissions (6):

GeneDx
Classification: Pathogenic. Last evaluated: 2026-04-28. Review status: criteria provided, single submitter. Criteria: GeneDx Variant Classification Process June 2021. Collection method: clinical testing. Allele origin: germline.
Comment: Nonsense variant predicted to result in protein truncation or nonsense mediated decay in a gene for which loss of function is a known mechanism of disease; Not observed at significant frequency in large population cohorts (gnomAD); This variant is associated with the following publications: (PMID: 22508176, 41279964, 35325889)

CeGaT Center for Human Genetics Tuebingen
Classification: Pathogenic. Last evaluated: 2024-02-01. Review status: criteria provided, single submitter. Criteria: CeGaT Center For Human Genetics Tuebingen Variant Classification Criteria Version 2. Collection method: clinical testing. Allele origin: germline. Affected: yes. Observed: 1 variant allele.
Comment: PKD1: PVS1, PM2:Supporting, PS4:Supporting

Blueprint Genetics
Classification: Pathogenic for PKD1-related disorders. Last evaluated: 2022-01-07. Review status: criteria provided, single submitter. Criteria: ACMG Guidelines, 2015. Collection method: clinical testing. Allele origin: germline. Affected: yes. Observed: 3 variant alleles.

Fulgent Genetics
Classification: Pathogenic for Polycystic kidney disease, adult type. Last evaluated: 2021-10-04. Review status: criteria provided, single submitter. Criteria: ACMG Guidelines, 2015. Collection method: clinical testing. Allele origin: unknown.

Athena Diagnostics
Classification: Pathogenic. Last evaluated: 2020-04-21. Review status: criteria provided, single submitter. Criteria: Athena Diagnostics Criteria. Collection method: clinical testing. Allele origin: unknown.
Comment: The variant creates a premature nonsense codon, and is therefore predicted to result in the loss of a functional protein. Found in at least one patient with expected phenotype for this gene, and found in general population data at a frequency that is consistent with pathogenicity.

Genomics And Bioinformatics Analysis Resource, Columbia University
Classification: Pathogenic for Polycystic kidney disease, adult type. Review status: no assertion criteria provided. Collection method: research. Allele origin: unknown. Affected: yes. Not counted in ClinVar's aggregate classification.

Literature cited by the submitters: PubMed 22508176 (cited by Athena Diagnostics).